The following is an entry in ClinVar:

NM_170707.4(LMNA):c.1118T>G (p.Ile373Ser)

Gene: LMNA (lamin A/C; plus strand). Cytogenetic location: 1q22.
Variant type: single nucleotide variant.
Coding change: c.1118T>G on transcript NM_170707.4 (MANE Select); coding-DNA position 1118, T replaced by G.
Protein change: p.Ile373Ser; replaces isoleucine 373 with serine.
Molecular consequence: missense variant.
Genome position (GRCh38, 1-based): chr1:156,136,082, T>G. VCF-style: chr1-156136082-T-G. GRCh37 (hg19) VCF-style: chr1-156105873-T-G.
Other names: c.782T>G, p.Ile261Ser (NM_001257374.3); c.875T>G, p.Ile292Ser (NM_001282624.2); c.1118T>G, p.Ile373Ser (NM_001282625.2, NM_001282626.2, NM_005572.4 and 1 more transcripts); short protein forms I373S, I292S, I261S.
Identifiers: ClinVar variation 408993 (VCV000408993.1), dbSNP rs1060502214, ClinGen allele CA16609888.

ClinVar aggregate classification (germline): Likely pathogenic (1 of 4 stars; one submission).

Conditions:
Charcot-Marie-Tooth disease type 2. Also called: Charcot-Marie-Tooth type 2. Identifiers: Orphanet 64746, MedGen C0270914, MONDO:0018993.

Submission:

Labcorp Genetics (formerly Invitae), Labcorp
Classification: Likely pathogenic for Charcot-Marie-Tooth disease type 2. Last evaluated: 2017-06-19. Review status: criteria provided, single submitter. Criteria: Invitae Variant Classification Sherloc (09022015). Collection method: clinical testing. Allele origin: germline.
Comment: This sequence change replaces isoleucine with serine at codon 373 of the LMNA protein (p.Ile373Ser). The isoleucine residue is highly conserved and there is a large physicochemical difference between isoleucine and serine. This variant is not present in population databases (ExAC no frequency). Different missense substitutions at this codon (p.Ile373Val, p.Ile373Asn) have been reported in individuals affected with LMNA-associated congenital muscular dystrophy (L-CMD) (PMID:26098624). Algorithms developed to predict the effect of missense changes on protein structure and function (SIFT, PolyPhen-2, Align-GVGD) all suggest that this variant is likely to be disruptive, but these predictions have not been confirmed by published functional studies. In summary, the currently available evidence indicates that the variant is pathogenic, but additional data are needed to prove that conclusively. Therefore, this variant has been classified as Likely Pathogenic.